The following is an entry in ClinVar:

ClinVar aggregate classification (germline): Uncertain significance (1 of 4 stars; one submission).

Conditions:
Hereditary spastic paraplegia 11. Also called: SPASTIC PARAPLEGIA, AUTOSOMAL RECESSIVE, COMPLICATED, WITH THIN CORPUS CALLOSUM; SPASTIC PARAPLEGIA, AUTOSOMAL RECESSIVE, WITH MENTAL IMPAIRMENT AND THIN CORPUS CALLOSUM; Spastic paraplegia, mental retardation and thin corpus callosum; Nakamura Osame syndrome; Autosomal recessive hereditary spastic paraplegia, mental impairment, and thin corpus callosum; Spastic Paraplegia 11. Identifiers: Orphanet 2822, MedGen C1858479, MONDO:0011445, OMIM 604360.

Allele frequency attached by ClinVar (database versions not stated): gnomAD 0.00001.
gnomAD v4.1: 2 of 1,614,030 alleles (0.00012%); highest among the groups gnomAD compares: African/African-American, 0.0013%; no homozygotes.

Submission:

Labcorp Genetics (formerly Invitae), Labcorp
Classification: Uncertain significance for Hereditary spastic paraplegia 11. Last evaluated: 2021-08-24. Review status: criteria provided, single submitter. Criteria: Invitae Variant Classification Sherloc (09022015). Collection method: clinical testing. Allele origin: germline.
Comment: This sequence change replaces leucine with phenylalanine at codon 1608 of the SPG11 protein (p.Leu1608Phe). The leucine residue is highly conserved and there is a small physicochemical difference between leucine and phenylalanine. This variant is not present in population databases (ExAC no frequency). This variant has not been reported in the literature in individuals affected with SPG11-related conditions. Algorithms developed to predict the effect of missense changes on protein structure and function are either unavailable or do not agree on the potential impact of this missense change (SIFT: "Deleterious"; PolyPhen-2: "Benign"; Align-GVGD: "Class C0"). In summary, the available evidence is currently insufficient to determine the role of this variant in disease. Therefore, it has been classified as a Variant of Uncertain Significance.

NM_025137.4(SPG11):c.4822C>T (p.Leu1608Phe)

Gene: SPG11 (SPG11 vesicle trafficking associated, spatacsin; minus strand). Cytogenetic location: 15q21.1.
Variant type: single nucleotide variant.
Coding change: c.4822C>T on transcript NM_025137.4 (MANE Select); coding-DNA position 4822, C replaced by T.
Protein change: p.Leu1608Phe; replaces leucine 1608 with phenylalanine.
Molecular consequence: missense variant.
Genome position (GRCh38, 1-based): chr15:44,589,336, G>A on the plus strand (C>T on the coding strand, the complement: SPG11 is on the minus strand). VCF-style: chr15-44589336-G-A. GRCh37 (hg19) VCF-style: chr15-44881534-G-A.
Other names: c.4822C>T, p.Leu1608Phe (NM_001160227.2); short protein forms L1608F.
Identifiers: ClinVar variation 856971 (VCV000856971.7), dbSNP rs1205123910, ClinGen allele CA392224301.